The following is an entry in ClinVar:

NM_001142800.2(EYS):c.2024G>A (p.Gly675Asp)

Gene: EYS (EGF-like photoreceptor maintenance factor; minus strand). Cytogenetic location: 6q12.
Variant type: single nucleotide variant.
Coding change: c.2024G>A on transcript NM_001142800.2 (MANE Select); coding-DNA position 2024, G replaced by A.
Protein change: p.Gly675Asp; replaces glycine 675 with aspartic acid.
Molecular consequence: missense variant.
Genome position (GRCh38, 1-based): chr6:65,057,727, C>T on the plus strand (G>A on the coding strand, the complement: EYS is on the minus strand). VCF-style: chr6-65057727-C-T. GRCh37 (hg19) VCF-style: chr6-65767620-C-T.
Other names: c.2024G>A, p.Gly675Asp (NM_001292009.2); short protein forms G675D.
Identifiers: ClinVar variation 1428141 (VCV001428141.7), dbSNP rs1323236780, ClinGen allele CA364787777.
Genomic context (GRCh38, chr6:65,057,727, plus strand): 5'-GTGGCTCCATTTTTGCAGGGATGTGAAGCACACTCATCTATATCAATTTCACATTGCGTA[C>T]CTTTGGAAAATAGGAAAAAAAAATGTTAAGTGTTAACAAGACAGGCATGTATCAAGTCGT-3'
Protein context (NP_001136272.1, residues 665-685): FFRKCVPGFK[Gly675Asp]TQCEIDIDEC

ClinVar aggregate classification (germline): Uncertain significance. Review status: criteria provided, multiple submitters, no conflicts (2 of 4 stars). 2 submissions from 2 submitters: Uncertain significance (2). Last evaluated 2024-11-11.

Allele frequency attached by ClinVar (database versions not stated): gnomAD exomes 0.00006.
gnomAD v4.1: 11 of 1,534,938 alleles (0.00072%); highest among the groups gnomAD compares: Admixed American, 0.02%; no homozygotes.

Submissions (2):

Labcorp Genetics (formerly Invitae), Labcorp
Classification: Uncertain significance. Last evaluated: 2024-11-11. Review status: criteria provided, single submitter. Criteria: Invitae Variant Classification Sherloc (09022015). Collection method: clinical testing. Allele origin: germline.
Comment: This sequence change replaces glycine, which is neutral and non-polar, with aspartic acid, which is acidic and polar, at codon 675 of the EYS protein (p.Gly675Asp). This variant is present in population databases (no rsID available, gnomAD 0.03%). This variant has not been reported in the literature in individuals affected with EYS-related conditions. ClinVar contains an entry for this variant (Variation ID: 1428141). An algorithm developed to predict the effect of missense changes on protein structure and function outputs the following: PolyPhen-2: "Possibly Damaging". The aspartic acid amino acid residue is found in multiple mammalian species, which suggests that this missense change does not adversely affect protein function. In summary, the available evidence is currently insufficient to determine the role of this variant in disease. Therefore, it has been classified as a Variant of Uncertain Significance.

Blueprint Genetics
Classification: Uncertain significance. Last evaluated: 2019-07-04. Review status: criteria provided, single submitter. Criteria: ACMG Guidelines, 2015. Collection method: clinical testing. Allele origin: germline.